The following is an entry in ClinVar:

ClinVar aggregate classification (germline): Uncertain significance (1 of 4 stars; one submission).

Conditions:
Familial cancer of breast. Also called: Hereditary breast cancer; hereditary breast carcinoma; BREAST CANCER, FAMILIAL. Identifiers: Orphanet 227535, MedGen C0346153, MONDO:0016419, OMIM 114480. Disease mechanism: loss of function.

Submission:

Labcorp Genetics (formerly Invitae), Labcorp
Classification: Uncertain significance for Familial cancer of breast. Last evaluated: 2020-06-27. Review status: criteria provided, single submitter. Criteria: Invitae Variant Classification Sherloc (09022015). Collection method: clinical testing. Allele origin: germline.
Comment: This sequence change replaces threonine with alanine at codon 889 of the PALB2 protein (p.Thr889Ala). The threonine residue is highly conserved and there is a small physicochemical difference between threonine and alanine. This variant is not present in population databases (ExAC no frequency). This variant has not been reported in the literature in individuals with PALB2-related conditions. Algorithms developed to predict the effect of missense changes on protein structure and function are either unavailable or do not agree on the potential impact of this missense change (SIFT: "Tolerated"; PolyPhen-2: "Probably Damaging"; Align-GVGD: "Class C0"). In summary, the available evidence is currently insufficient to determine the role of this variant in disease. Therefore, it has been classified as a Variant of Uncertain Significance.

NM_024675.4(PALB2):c.2665A>G (p.Thr889Ala)

Gene: PALB2 (partner and localizer of BRCA2; minus strand). Cytogenetic location: 16p12.2.
Variant type: single nucleotide variant.
Coding change: c.2665A>G on transcript NM_024675.4 (MANE Select); coding-DNA position 2665, A replaced by G.
Protein change: p.Thr889Ala; replaces threonine 889 with alanine.
Molecular consequence: missense variant.
Genome position (GRCh38, 1-based): chr16:23,626,319, T>C on the plus strand (A>G on the coding strand, the complement: PALB2 is on the minus strand). VCF-style: chr16-23626319-T-C. GRCh37 (hg19) VCF-style: chr16-23637640-T-C.
Other names: short protein forms T889A.
Identifiers: ClinVar variation 1045730 (VCV001045730.9), dbSNP rs1966842608, ClinGen allele CA395122072.